The following is an entry in ClinVar:

ClinVar aggregate classification (germline): Uncertain significance (1 of 4 stars; one submission).

Conditions:
Myopathy, proximal, and ophthalmoplegia (CMYO6). Also called: MYOPATHY WITH CONGENITAL JOINT CONTRACTURES, OPHTHALMOPLEGIA, AND RIMMED VACUOLES; INCLUSION BODY MYOPATHY 3, AUTOSOMAL DOMINANT; CONGENITAL MYOPATHY 6 WITH OPHTHALMOPLEGIA. Identifiers: Orphanet 363677, Orphanet 79091, MedGen C1854106, MONDO:0011577, OMIM 605637.

Allele frequency attached by ClinVar (database versions not stated): TOPMed below 0.00001; gnomAD 0.00001.
gnomAD v4.1: 1 of 1,613,628 alleles (0.000062%); highest among the groups gnomAD compares: African/African-American, 0.0013%; no homozygotes.

Submission:

Labcorp Genetics (formerly Invitae), Labcorp
Classification: Uncertain significance for Myopathy, proximal, and ophthalmoplegia. Last evaluated: 2022-10-19. Review status: criteria provided, single submitter. Criteria: Invitae Variant Classification Sherloc (09022015). Collection method: clinical testing. Allele origin: germline.
Comment: In summary, the available evidence is currently insufficient to determine the role of this variant in disease. Therefore, it has been classified as a Variant of Uncertain Significance. Advanced modeling of protein sequence and biophysical properties (such as structural, functional, and spatial information, amino acid conservation, physicochemical variation, residue mobility, and thermodynamic stability) performed at Invitae indicates that this missense variant is not expected to disrupt MYH2 protein function. This variant has not been reported in the literature in individuals affected with MYH2-related conditions. This variant is not present in population databases (gnomAD no frequency). This sequence change replaces serine, which is neutral and polar, with threonine, which is neutral and polar, at codon 325 of the MYH2 protein (p.Ser325Thr).

NM_017534.6(MYH2):c.974G>C (p.Ser325Thr)

Genes: MYHAS (myosin heavy chain gene cluster antisense RNA; plus strand), MYH2 (myosin heavy chain 2; minus strand). Cytogenetic location: 17p13.1.
Variant type: single nucleotide variant.
Coding change: c.974G>C on transcript NM_017534.6 (MANE Select); coding-DNA position 974, G replaced by C.
Protein change: p.Ser325Thr; replaces serine 325 with threonine.
Molecular consequence: missense variant.
Genome position (GRCh38, 1-based): chr17:10,540,628, C>G on the plus strand (G>C on the coding strand, the complement: MYH2 is on the minus strand). VCF-style: chr17-10540628-C-G. GRCh37 (hg19) VCF-style: chr17-10443945-C-G.
Other names: c.974G>C, p.Ser325Thr (NM_001100112.2); short protein forms S325T.
Identifiers: ClinVar variation 2142835 (VCV002142835.4), dbSNP rs1325019725, ClinGen allele CA398164216.